The following is an entry in ClinVar:

NM_000384.3(APOB):c.11400T>G (p.Tyr3800Ter)

Gene: APOB (apolipoprotein B; minus strand). Cytogenetic location: 2p24.1.
Variant type: single nucleotide variant.
Coding change: c.11400T>G on transcript NM_000384.3 (MANE Select); coding-DNA position 11400, T replaced by G.
Protein change: p.Tyr3800Ter; replaces tyrosine 3800 with a stop codon.
Molecular consequence: nonsense.
Genome position (GRCh38, 1-based): chr2:21,005,468, A>C on the plus strand (T>G on the coding strand, the complement: APOB is on the minus strand). VCF-style: chr2-21005468-A-C. GRCh37 (hg19) VCF-style: chr2-21228340-A-C.
Other names: short protein forms Y3800*.
Identifiers: ClinVar variation 2925315 (VCV002925315.3), dbSNP rs376032650, ClinGen allele CA046521.

ClinVar aggregate classification (germline): Pathogenic (1 of 4 stars; one submission).

Conditions:
Hypercholesterolemia, autosomal dominant, type B (FHCL2). Also called: APOB-Related Familial Hypercholesterolemia, Autosomal Dominant; Familial Hypercholesterolemia Type B; APOLIPOPROTEIN B-100, FAMILIAL DEFECTIVE; APOLIPOPROTEIN B-100, FAMILIAL LIGAND-DEFECTIVE; HYPERCHOLESTEROLEMIA, FAMILIAL, DUE TO LIGAND-DEFECTIVE APOLIPOPROTEIN B; Hyperlipoproteinemia Type IIb. Identifiers: MedGen C1704417, MONDO:0007751, OMIM 144010.
Familial hypobetalipoproteinemia 1. Also called: Hypobetalipoproteinemia, normotriglyceridemic; Acanthocytosis with hypobetalipoproteinemia; APOB-Related Familial Hypobetalipoproteinemia. Identifiers: MedGen C4551990, MONDO:0014252, OMIM 615558.

Allele frequency attached by ClinVar (database versions not stated): TOPMed below 0.00001; ExAC 0.00001; gnomAD 0.00001; ESP Exome Variant Server 0.00008.
gnomAD v4.1: 2 of 1,613,964 alleles (0.00012%); highest among the groups gnomAD compares: Non-Finnish European, 0.000085%; no homozygotes.

Submission:

Labcorp Genetics (formerly Invitae), Labcorp
Classification: Pathogenic for Familial hypobetalipoproteinemia 1; Hypercholesterolemia, autosomal dominant, type B. Last evaluated: 2024-01-13. Review status: criteria provided, single submitter. Criteria: Invitae Variant Classification Sherloc (09022015). Collection method: clinical testing. Allele origin: germline.
Comment: This sequence change creates a premature translational stop signal (p.Tyr3800*) in the APOB gene. It is expected to result in an absent or disrupted protein product. Loss-of-function variants in APOB are known to be pathogenic (PMID: 20032471). This variant is present in population databases (rs376032650, gnomAD no frequency). This premature translational stop signal has been observed in individual(s) with low low-density lipoprotein cholesterol (PMID: 24507775). For these reasons, this variant has been classified as Pathogenic.

Literature cited by the submitters: PubMed 20032471; PubMed 24507775.